The following is an entry in ClinVar:

NM_001190737.2(NFIB):c.109C>T (p.Arg37Ter)

Gene: NFIB (nuclear factor I B; minus strand). Cytogenetic location: 9p22.3.
Variant type: single nucleotide variant.
Coding change: c.109C>T on transcript NM_001190737.2 (MANE Select); coding-DNA position 109, C replaced by T.
Protein change: p.Arg37Ter; replaces arginine 37 with a stop codon.
Molecular consequence: nonsense. On other transcripts: 5 prime UTR variant (1).
Genome position (GRCh38, 1-based): chr9:14,307,442, G>A on the plus strand (C>T on the coding strand, the complement: NFIB is on the minus strand). VCF-style: chr9-14307442-G-A. GRCh37 (hg19) VCF-style: chr9-14307441-G-A.
Other names: c.187C>T, p.Arg63Ter (NM_001190738.2); c.175C>T, p.Arg59Ter (NM_001369458.1, NM_001369459.1, NM_001369462.1 and 1 more transcripts); c.97C>T, p.Arg33Ter (NM_001369460.1, NM_001369463.1, NM_001369466.1 and 4 more transcripts); c.109C>T, p.Arg37Ter (NM_001369461.1, NM_001369464.1, NM_001369471.1 and 4 more transcripts); c.82C>T, p.Arg28Ter (NM_001369465.1, NM_001369467.1, NM_001369476.1); c.-36C>T (NM_001369469.1); c.94C>T, p.Arg32Ter (NM_001369474.1); short protein forms R37*, R28*, R32*, R59*, R33*, R63*.
Identifiers: ClinVar variation 560024 (VCV000560024.7), dbSNP rs1554709792, ClinGen allele CA373090847.

ClinVar aggregate classification (germline): Pathogenic. Review status: criteria provided, multiple submitters, no conflicts (2 of 4 stars). 6 submissions from 6 submitters: Pathogenic (5). 1 of the submissions does not count toward it. Last evaluated 2023-11-01.

Conditions:
Macrocephaly, acquired, with impaired intellectual development. Also called: MACROCEPHALY, ACQUIRED, WITH MENTAL RETARDATION. Identifiers: MedGen C4748993, MONDO:0032658, OMIM 618286.
Intellectual disability. Also called: Intellectual functioning disability; intellectual disabilities; Intellectual developmental disorder. Identifiers: MedGen C3714756, MeSH D008607, MONDO:0001071, HP:0001249.
Macrocephaly. Also called: large head; Macrocephalus. Identifiers: MedGen C2243051, HP:0000256.

Submissions (6):

Department of Human Genetics, Hannover Medical School
Classification: Pathogenic for Macrocephaly, acquired, with impaired intellectual development. Last evaluated: 2023-11-01. Review status: criteria provided, single submitter. Criteria: ACMG Guidelines, 2015. Collection method: clinical testing. Allele origin: germline. Inheritance: Autosomal dominant inheritance. Affected: yes.

GeneDx
Classification: Pathogenic. Last evaluated: 2023-09-17. Review status: criteria provided, single submitter. Criteria: GeneDx Variant Classification Process June 2021. Collection method: clinical testing. Allele origin: germline. Affected: yes.
Comment: Nonsense variant predicted to result in protein truncation or nonsense mediated decay in a gene for which loss-of-function is a known mechanism of disease; Not observed in large population cohorts (gnomAD); This variant is associated with the following publications: (PMID: 30388402)

3billion
Classification: Pathogenic for Macrocephaly, acquired, with impaired intellectual development. Last evaluated: 2022-01-03. Review status: criteria provided, single submitter. Criteria: ACMG Guidelines, 2015. Collection method: clinical testing. Allele origin: germline. Affected: yes. Observed: 1 heterozygote.
Comment: Stop-gained (nonsense): predicted to result in a loss or disruption of normal protein function through nonsense-mediated decay (NMD) or protein truncation. Multiple pathogenic variants are reported downstream of the variant (PVS1_VS).It is not observed in the gnomAD v2.1.1 dataset (PM2_M). The variant has been previously reported as de novo in a similarly affected individual (PMID:30388402, PS2_S). Therefore, this variant is classified as pathogenic according to the recommendation of ACMG/AMP guideline.

SIB Swiss Institute of Bioinformatics
Classification: Pathogenic for Macrocephaly, acquired, with impaired intellectual development. Last evaluated: 2019-10-02. Review status: criteria provided, single submitter. Criteria: ACMG Guidelines, 2015. Collection method: curation. Allele origin: unknown.
Comment: This variant is interpreted as a Pathogenic for Macrocephaly, acquired, with impaired intellectual development, autosomal dominant. The following ACMG Tag(s) were applied: PM2, PVS1, PS2-Moderate.

Department of Human Genetics, University Hospital Magdeburg
Classification: Pathogenic for Intellectual disability; Macrocephaly. Review status: criteria provided, single submitter. Criteria: ACMG Guidelines, 2015. Collection method: research. Allele origin: de novo. Inheritance: Autosomal dominant inheritance. Affected: yes.

OMIM
Classification: Pathogenic for MACROCEPHALY, ACQUIRED, WITH IMPAIRED INTELLECTUAL DEVELOPMENT. Last evaluated: 2019-01-23. Review status: no assertion criteria provided. Collection method: literature only. Allele origin: germline. Not counted in ClinVar's aggregate classification.

Literature cited by the submitters: PubMed 30388402 (cited by 3 submitters).